The following is an entry in ClinVar:

NM_000081.4(LYST):c.5533A>G (p.Asn1845Asp)

Gene: LYST (lysosomal trafficking regulator; minus strand). Cytogenetic location: 1q42.3.
Variant type: single nucleotide variant.
Coding change: c.5533A>G on transcript NM_000081.4 (MANE Select); coding-DNA position 5533, A replaced by G.
Protein change: p.Asn1845Asp; replaces asparagine 1845 with aspartic acid.
Molecular consequence: missense variant.
Genome position (GRCh38, 1-based): chr1:235,775,014, T>C on the plus strand (A>G on the coding strand, the complement: LYST is on the minus strand). VCF-style: chr1-235775014-T-C. GRCh37 (hg19) VCF-style: chr1-235938314-T-C.
Other names: c.5533A>G, p.Asn1845Asp (NM_001301365.1); c.5533A>G (NM_000081.2); short protein forms N1845D.
Identifiers: ClinVar variation 568182 (VCV000568182.7), dbSNP rs767241699, ClinGen allele CA1466604.

ClinVar aggregate classification (germline): Uncertain significance. Review status: criteria provided, multiple submitters, no conflicts (2 of 4 stars). 2 submissions from 2 submitters: Uncertain significance (2). Last evaluated 2023-10-05.

Conditions:
Inborn genetic diseases. Identifiers: MedGen C0950123, MeSH D030342.
Chédiak-Higashi syndrome (CHS). Also called: Chediak-Higashi Syndrome. Identifiers: Orphanet 167, MedGen C0007965, MONDO:0008963, OMIM 214500.

Allele frequency attached by ClinVar (database versions not stated): gnomAD 0.00001; gnomAD exomes 0.00002; TOPMed 0.00002; ExAC 0.00006.
gnomAD v4.1: 14 of 1,611,008 alleles (0.00087%); highest among the groups gnomAD compares: Admixed American, 0.023%; no homozygotes.

Submissions (2):

Labcorp Genetics (formerly Invitae), Labcorp
Classification: Uncertain significance for Chédiak-Higashi syndrome. Last evaluated: 2023-10-05. Review status: criteria provided, single submitter. Criteria: Invitae Variant Classification Sherloc (09022015). Collection method: clinical testing. Allele origin: germline.
Comment: This sequence change replaces asparagine, which is neutral and polar, with aspartic acid, which is acidic and polar, at codon 1845 of the LYST protein (p.Asn1845Asp). This variant is present in population databases (rs767241699, gnomAD 0.04%). This variant has not been reported in the literature in individuals affected with LYST-related conditions. ClinVar contains an entry for this variant (Variation ID: 568182). Advanced modeling of protein sequence and biophysical properties (such as structural, functional, and spatial information, amino acid conservation, physicochemical variation, residue mobility, and thermodynamic stability) has been performed at Invitae for this missense variant, however the output from this modeling did not meet the statistical confidence thresholds required to predict the impact of this variant on LYST protein function. In summary, the available evidence is currently insufficient to determine the role of this variant in disease. Therefore, it has been classified as a Variant of Uncertain Significance.

Ambry Genetics
Classification: Uncertain significance for Inborn genetic diseases. Last evaluated: 2021-10-29. Review status: criteria provided, single submitter. Criteria: Ambry Variant Classification Scheme 2023. Collection method: clinical testing. Allele origin: germline.